The following is an entry in ClinVar:

NM_002951.5(RPN2):c.1693G>C (p.Ala565Pro)

Gene: RPN2 (ribophorin II; plus strand). Cytogenetic location: 20q11.23.
Variant type: single nucleotide variant.
Coding change: c.1693G>C on transcript NM_002951.5 (MANE Select); coding-DNA position 1693, G replaced by C.
Protein change: p.Ala565Pro; replaces alanine 565 with proline.
Molecular consequence: missense variant.
Genome position (GRCh38, 1-based): chr20:37,234,035, G>C. VCF-style: chr20-37234035-G-C. GRCh37 (hg19) VCF-style: chr20-35862438-G-C.
Other names: c.1597G>C, p.Ala533Pro (NM_001135771.3, NM_001324299.2, NM_001324302.2); c.1741G>C, p.Ala581Pro (NM_001324301.2, NM_001324305.2); c.1693G>C, p.Ala565Pro (NM_001324303.2, NM_001324304.2); c.1222G>C, p.Ala408Pro (NM_001324306.2); short protein forms A565P, A533P, A408P, A581P.
Identifiers: ClinVar variation 574078 (VCV000574078.7), dbSNP rs1221047768, ClinGen allele CA408851252.

ClinVar aggregate classification (germline): Uncertain significance (1 of 4 stars; one submission).

Conditions:
Congenital disorder of glycosylation (CDG). Also called: Carbohydrate-deficient glycoprotein syndrome; Congenital disorders of glycosylation. Identifiers: Orphanet 137, MedGen C0282577, MONDO:0015286.

Allele frequency attached by ClinVar (database versions not stated): gnomAD 0.00001; TOPMed 0.00001.
gnomAD v4.1: 1 of 1,614,046 alleles (0.000062%); highest among the groups gnomAD compares: African/African-American, 0.0013%; no homozygotes.

Submission:

Labcorp Genetics (formerly Invitae), Labcorp
Classification: Uncertain significance for Congenital disorder of glycosylation. Last evaluated: 2018-05-03. Review status: criteria provided, single submitter. Criteria: Invitae Variant Classification Sherloc (09022015). Collection method: clinical testing. Allele origin: germline.
Comment: In summary, the available evidence is currently insufficient to determine the role of this variant in disease. Therefore, it has been classified as a Variant of Uncertain Significance. Algorithms developed to predict the effect of missense changes on protein structure and function do not agree on the potential impact of this missense change (SIFT: "Tolerated"; PolyPhen-2: "Probably Damaging"; Align-GVGD: "Class C0"). This variant has not been reported in the literature in individuals with RPN2-related disease. This variant is not present in population databases (ExAC no frequency). This sequence change replaces alanine with proline at codon 565 of the RPN2 protein (p.Ala565Pro). The alanine residue is highly conserved and there is a small physicochemical difference between alanine and proline.